The following is an entry in ClinVar:

ClinVar aggregate classification (germline): Uncertain significance (1 of 4 stars; one submission).

Conditions:
Inborn genetic diseases. Identifiers: MedGen C0950123, MeSH D030342.

Submission:

Ambry Genetics
Classification: Uncertain significance for Inborn genetic diseases. Last evaluated: 2024-12-29. Review status: criteria provided, single submitter. Criteria: Ambry Variant Classification Scheme 2023. Collection method: clinical testing. Allele origin: germline.
Comment: The p.T310A variant (also known as c.928A>G), located in coding exon 8 of the PAX5 gene, results from an A to G substitution at nucleotide position 928. The threonine at codon 310 is replaced by alanine, an amino acid with similar properties. This amino acid position is conserved. In addition, this alteration is predicted to be tolerated by in silico analysis. Based on the available evidence, the clinical significance of this variant remains unclear.

NM_016734.3(PAX5):c.928A>G (p.Thr310Ala)

Gene: PAX5 (paired box 5; minus strand). Cytogenetic location: 9p13.2.
Variant type: single nucleotide variant.
Coding change: c.928A>G on transcript NM_016734.3 (MANE Select); coding-DNA position 928, A replaced by G.
Protein change: p.Thr310Ala; replaces threonine 310 with alanine.
Molecular consequence: missense variant. On other transcripts: non-coding transcript variant (2), intron variant (6).
Genome position (GRCh38, 1-based): chr9:36,882,088, T>C on the plus strand (A>G on the coding strand, the complement: PAX5 is on the minus strand). VCF-style: chr9-36882088-T-C. GRCh37 (hg19) VCF-style: chr9-36882085-T-C.
Other names: c.928A>G, p.Thr310Ala (NM_001280548.2); c.799A>G, p.Thr267Ala (NM_001280553.2, NM_001280554.2); c.604A>G, p.Thr202Ala (NM_001280556.2); c.586+41267A>G (NM_001280551.2); c.713-35159A>G (NM_001280555.2); c.781-41452A>G (NM_001280550.2); c.781-35159A>G (NM_001280549.2); c.910+41267A>G (NM_001280552.2); and 1 more; short protein forms T267A, T202A, T310A.
Identifiers: ClinVar variation 3885905 (VCV003885905.1).
Genomic context (GRCh38, chr9:36,882,088, plus strand): 5'-GTGCTGAGTAGCTGCCCTGTCCAGCGGGGGGGACGTGTGGAGGGTACCCGGGGAGGGTCG[T>C]GCTCGCCAAGTCACGGCCTGAGGAATCAAAGCAACAAATCACAGGGTGAGCATCTTCGCG-3'
Protein context (NP_057953.1, residues 300-320): PIVTGRDLAS[Thr310Ala]TLPGYPPHVP